The following is an entry in ClinVar:

ClinVar aggregate classification (germline): Uncertain significance (1 of 4 stars; one submission).

Conditions:
Inborn genetic diseases. Identifiers: MedGen C0950123, MeSH D030342.

Allele frequency attached by ClinVar (database versions not stated): TOPMed below 0.00001; ExAC 0.00001; gnomAD 0.00001.
gnomAD v4.1: 1 of 1,613,996 alleles (0.000062%); highest among the groups gnomAD compares: African/African-American, 0.0013%; no homozygotes.

Submission:

Ambry Genetics
Classification: Uncertain significance for Inborn genetic diseases. Last evaluated: 2024-01-17. Review status: criteria provided, single submitter. Criteria: Ambry Variant Classification Scheme 2023. Collection method: clinical testing. Allele origin: germline.
Comment: The p.G307A variant (also known as c.920G>C), located in coding exon 9 of the RAD51 gene, results from a G to C substitution at nucleotide position 920. The glycine at codon 307 is replaced by alanine, an amino acid with similar properties. This amino acid position is conserved. In addition, this alteration is predicted to be deleterious by in silico analysis. Based on the available evidence, the clinical significance of this alteration remains unclear.

NM_002875.5(RAD51):c.920G>C (p.Gly307Ala)

Gene: RAD51 (RAD51 recombinase; plus strand). Cytogenetic location: 15q15.1.
Variant type: single nucleotide variant.
Coding change: c.920G>C on transcript NM_002875.5 (MANE Select); coding-DNA position 920, G replaced by C.
Protein change: p.Gly307Ala; replaces glycine 307 with alanine.
Molecular consequence: missense variant.
Genome position (GRCh38, 1-based): chr15:40,731,078, G>C. VCF-style: chr15-40731078-G-C. GRCh37 (hg19) VCF-style: chr15-41023276-G-C.
Other names: c.923G>C, p.Gly308Ala (NM_001164269.2, NM_133487.4); c.798G>C, p.Arg266Ser (NM_001164270.2); short protein forms G307A, G308A, R266S.
Identifiers: ClinVar variation 3222876 (VCV003222876.1), dbSNP rs762285836, ClinGen allele CA7484151.
Genomic context (GRCh38, chr15:40,731,078, plus strand): 5'-TAATAAATTGGTGCTTTGGTCTGTGTCTTTGGGTCAGATTGTATCTGAGGAAAGGAAGAG[G>C]GGAAACCAGAATCTGCAAAATCTACGACTCTCCCTGTCTTCCTGAAGCTGAAGCTATGTT-3'
Protein context (NP_002866.2, residues 297-317): TTRLYLRKGR[Gly307Ala]ETRICKIYDS